The following is an entry in ClinVar:

NM_001204.7(BMPR2):c.749C>T (p.Pro250Leu)

Gene: BMPR2 (bone morphogenetic protein receptor type 2; plus strand). Cytogenetic location: 2q33.2.
Variant type: single nucleotide variant.
Coding change: c.749C>T on transcript NM_001204.7 (MANE Select); coding-DNA position 749, C replaced by T.
Protein change: p.Pro250Leu; replaces proline 250 with leucine.
Molecular consequence: missense variant.
Genome position (GRCh38, 1-based): chr2:202,518,949, C>T. VCF-style: chr2-202518949-C-T. GRCh37 (hg19) VCF-style: chr2-203383672-C-T.
Other names: short protein forms P250L.
Identifiers: ClinVar variation 3992211 (VCV003992211.1).

ClinVar aggregate classification (germline): Uncertain significance (1 of 4 stars; one submission).

Conditions:
Inborn genetic diseases. Identifiers: MedGen C0950123, MeSH D030342.

Submission:

Ambry Genetics
Classification: Uncertain significance for Inborn genetic diseases. Last evaluated: 2025-05-31. Review status: criteria provided, single submitter. Criteria: Ambry Variant Classification Scheme 2023. Collection method: clinical testing. Allele origin: germline.
Comment: The p.P250L variant (also known as c.749C>T), located in coding exon 6 of the BMPR2 gene, results from a C to T substitution at nucleotide position 749. The proline at codon 250 is replaced by leucine, an amino acid with similar properties. This amino acid position is conserved. In addition, the in silico prediction for this alteration is inconclusive. Based on the available evidence, the clinical significance of this variant remains unclear.